The following is an entry in ClinVar:

NM_020937.4(FANCM):c.2173A>G (p.Thr725Ala)

Gene: FANCM (FA complementation group M; plus strand). Cytogenetic location: 14q21.2.
Variant type: single nucleotide variant.
Coding change: c.2173A>G on transcript NM_020937.4 (MANE Select); coding-DNA position 2173, A replaced by G.
Protein change: p.Thr725Ala; replaces threonine 725 with alanine.
Molecular consequence: missense variant.
Genome position (GRCh38, 1-based): chr14:45,173,067, A>G. VCF-style: chr14-45173067-A-G. GRCh37 (hg19) VCF-style: chr14-45642270-A-G.
Other names: c.2173A>G (LRG_502t1); c.2095A>G, p.Thr699Ala (NM_001308133.2); short protein forms T725A, T699A.
Identifiers: ClinVar variation 526312 (VCV000526312.26), dbSNP rs146325649, ClinGen allele CA7169280.

ClinVar aggregate classification (germline): Uncertain significance. Review status: criteria provided, multiple submitters, no conflicts (2 of 4 stars). 5 submissions from 5 submitters: Uncertain significance (5). Last evaluated 2026-01-18.

Conditions:
Hereditary cancer-predisposing syndrome. Also called: Neoplastic Syndromes, Hereditary; Tumor predisposition; Hereditary Cancer Syndrome; Hereditary neoplastic syndrome. Identifiers: Orphanet 140162, MedGen C0027672, MeSH D009386, MONDO:0015356.
Fanconi anemia (FA). Also called: Fanconi's anemia. Identifiers: Orphanet 84, MedGen C0015625, MeSH D005199, MONDO:0019391.
Spermatogenic failure 28. Identifiers: MedGen C4748117, MONDO:0054732, OMIM 618086.

Allele frequency attached by ClinVar (database versions not stated): gnomAD exomes 0.00003 and 0.00009; ExAC 0.00007; ESP Exome Variant Server 0.00023; TOPMed 0.00041; gnomAD 0.00048 and 0.00053.
gnomAD v4.1: 111 of 1,608,250 alleles (0.0069%); highest among the groups gnomAD compares: African/African-American, 0.14%; no homozygotes.

Submissions (5):

Labcorp Genetics (formerly Invitae), Labcorp
Classification: Uncertain significance for Fanconi anemia. Last evaluated: 2026-01-18. Review status: criteria provided, single submitter. Criteria: Invitae Variant Classification Sherloc (09022015). Collection method: clinical testing. Allele origin: germline.
Comment: This sequence change replaces threonine, which is neutral and polar, with alanine, which is neutral and non-polar, at codon 725 of the FANCM protein (p.Thr725Ala). This variant is present in population databases (rs146325649, gnomAD 0.1%). This variant has not been reported in the literature in individuals affected with FANCM-related conditions. ClinVar contains an entry for this variant (Variation ID: 526312). An algorithm developed to predict the effect of missense changes on protein structure and function outputs the following: PolyPhen-2: "Benign". The alanine amino acid residue is found in multiple mammalian species, which suggests that this missense change does not adversely affect protein function. In summary, the available evidence is currently insufficient to determine the role of this variant in disease. Therefore, it has been classified as a Variant of Uncertain Significance.

Quest Diagnostics Nichols Institute San Juan Capistrano
Classification: Uncertain significance. Last evaluated: 2025-01-24. Review status: criteria provided, single submitter. Criteria: Quest Diagnostics criteria. Collection method: clinical testing. Allele origin: unknown.
Comment: The FANCM c.2173A>G (p.Thr725Ala) variant has not been reported in individuals with FANCM-related conditions in the published literature. The frequency of this variant in the general population (Genome Aggregation Database) is higher than would generally be expected for pathogenic variants in this gene. Analysis of this variant using bioinformatics tools for the prediction of the effect of amino acid changes on protein structure and function yielded predictions that this variant is benign. Based on the available information, we are unable to determine the clinical significance of this variant.

GeneDx
Classification: Uncertain significance. Last evaluated: 2024-11-07. Review status: criteria provided, single submitter. Criteria: GeneDx Variant Classification Process June 2021. Collection method: clinical testing. Allele origin: germline. Affected: yes.
Comment: In silico analysis indicates that this missense variant does not alter protein structure/function; Has not been previously published as pathogenic or benign to our knowledge

Sema4
Classification: Uncertain significance for Hereditary cancer-predisposing syndrome. Last evaluated: 2021-06-30. Review status: criteria provided, single submitter. Criteria: Sema4 Curation Guidelines. Collection method: curation. Allele origin: germline.
Comment: The FANCM c.2173A>G (p.T725A) variant has not been reported in the literature to our knowledge. It was observed in 36/24966 chromosomes of the African subpopulation, with no homozygotes, in the large and broad cohorts of the Genome Aggregation Database (PMID: 32461654) and has been reported in ClinVar (Variation ID 526312). In silico tools suggest the impact of the variant on protein function is inconclusive, though these predictions have not been confirmed by functional studies. The evidence is insufficient to meet ACMG/AMP criteria for classifying the variant as benign or pathogenic. Thus, the clinical significance of this variant is currently uncertain.

Baylor Genetics
Classification: Uncertain significance for Spermatogenic failure 28. Last evaluated: 2020-06-20. Review status: criteria provided, single submitter. Criteria: ACMG Guidelines, 2015. Collection method: clinical testing. Allele origin: unknown. Affected: yes. Study: CSER-TexasKidsCanSeq.
Comment: This variant was determined to be of uncertain significance according to ACMG Guidelines, 2015 [PMID:25741868].